The following is an entry in ClinVar:

ClinVar aggregate classification (germline): Benign (1 of 4 stars; one submission).

Conditions:
Auriculocondylar syndrome 2 (ARCND2A). Also called: AURICULOCONDYLAR SYNDROME 2A. Identifiers: Orphanet 137888, MedGen C3553404, MONDO:0013845, OMIM 614669.

Allele frequency attached by ClinVar (database versions not stated): ExAC 0.00003; gnomAD 0.00003; TOPMed 0.00010; gnomAD exomes 0.00003.
gnomAD v4.1: 31 of 1,591,124 alleles (0.0019%); highest among the groups gnomAD compares: East Asian, 0.0067%; no homozygotes.

Submission:

Illumina Laboratory Services, Illumina
Classification: Benign for Auriculocondylar syndrome 2. Last evaluated: 2018-01-13. Review status: criteria provided, single submitter. Criteria: ICSL Variant Classification Criteria 13 December 2019. Collection method: clinical testing. Allele origin: germline.
Comment: This variant was observed in the ICSL laboratory as part of a predisposition screen in an ostensibly healthy population. It had not been previously curated by ICSL or reported in the Human Gene Mutation Database (HGMD: prior to June 1st, 2018), and was therefore a candidate for classification through an automated scoring system. Utilizing variant allele frequency, disease prevalence and penetrance estimates, and inheritance mode, an automated score was calculated to assess if this variant is too frequent to cause the disease. Based on the score and internal cut-off values, a variant classified as benign is not then subjected to further curation. The score for this variant resulted in a classification of benign for this disease.

NM_001377142.1(PLCB4):c.1833C>T (p.Val611=)

Gene: PLCB4 (phospholipase C beta 4; plus strand). Cytogenetic location: 20p12.2.
Variant type: single nucleotide variant.
Coding change: c.1833C>T on transcript NM_001377142.1 (MANE Select); coding-DNA position 1833, C replaced by T.
Protein change: p.Val611=; no amino-acid change (valine 611 retained).
Molecular consequence: synonymous variant.
Genome position (GRCh38, 1-based): chr20:9,408,676, C>T. VCF-style: chr20-9408676-C-T. GRCh37 (hg19) VCF-style: chr20-9389323-C-T.
Other names: c.1797C>T, p.Val599= (NM_000933.4, NM_001377134.2, NM_001377135.1 and 2 more transcripts); c.1833C>T, p.Val611= (NM_001172646.2, NM_001377143.1).
Identifiers: ClinVar variation 339569 (VCV000339569.5), dbSNP rs778436381, ClinGen allele CA9761228.